The following is an entry in ClinVar:

ClinVar aggregate classification (germline): Pathogenic. Review status: reviewed by expert panel (3 of 4 stars). 16 submissions from 16 submitters: Pathogenic (1). 15 of the submissions do not count toward it. Last evaluated 2026-09-21.

Conditions:
BRCA2-related cancer predisposition. Identifiers: MedGen CN377758, MONDO:0700269.
Breast and/or ovarian cancer. Identifiers: MedGen CN221562.
Hereditary cancer-predisposing syndrome. Also called: Hereditary neoplastic syndrome; Neoplastic Syndromes, Hereditary; Tumor predisposition; Hereditary Cancer Syndrome. Identifiers: Orphanet 140162, MedGen C0027672, MeSH D009386, MONDO:0015356.
Hereditary breast ovarian cancer syndrome. Also called: Breast and ovarian cancer; Hereditary breast and/or ovarian cancer syndrome; BRCA1- and BRCA2-Associated Hereditary Breast and Ovarian Cancer; Hereditary breast and ovarian cancer syndrome (HBOC); Hereditary breast and ovarian cancer syndrome; Hereditary breast and ovarian cancer. Identifiers: Orphanet 145, MedGen C0677776, MeSH D061325, MONDO:0003582. Disease mechanism: loss of function.
Breast-ovarian cancer, familial, susceptibility to, 2 (BROVCA2). Also called: BRCA2 Hereditary Breast and Ovarian Cancer. Identifiers: Orphanet 145, MedGen C2675520, MONDO:0012933, OMIM 612555. Disease mechanism: loss of function.

Allele frequency attached by ClinVar (database versions not stated): gnomAD exomes below 0.00001.
gnomAD v4.1: 1 of 1,608,686 alleles (0.000062%); highest among the groups gnomAD compares: Non-Finnish European, 0.000085%; no homozygotes.

Submissions 1 to 5 of 16:

ClinGen ENIGMA BRCA1 and BRCA2 Variant Curation Expert Panel, ClinGen
Classification: Pathogenic for BRCA2-related cancer predisposition. Last evaluated: 2026-09-21. Review status: reviewed by expert panel. Criteria: CSpec BRCA1/2ACMG Rules Specifications V1.2. Collection method: curation. Allele origin: germline. Inheritance: Autosomal dominant inheritance.
Comment: The c.8486A>G p.(Gln2829Arg) variant in BRCA2 involves the second to last nucleotide of exon 19. This BRCA2 variant has a SpliceAI score of 0.36, predicting an impact on splicing (score threshold ≥0.2) (PP3 not applied because a PVS1 code is met). This variant is absent from gnomAD v2.1 (exomes only, non-cancer subset, read depth ≥25) and gnomAD v3.1 (non-cancer subset, read depth ≥25) (PM2_Supporting met). This variant is reported to result in aberrant mRNA splicing. RT-PCR demonstrated that the variant impacts splicing by skipping of exon 19 (PMIDs: 22505045, 16489001, 32123317) which results in the production of an in-frame transcript (r.8332_8487del p.(Ile2778_Gln2829del), PMID: 32123317). The effect is complete and no full length transcript is produced by the variant allele (PMID: 22505045, Internal lab collaborator). Appropriate code strength determined by comparison of results to PVS1 decision tree and assessment of mRNA splicing data (In-frame deletion variant of exon 19 that overlaps a (potentially) clinically important functional domain (DNA-binding domain)) (PVS1 (RNA) met). Missense variant shown to alter splicing, functional data considered only from assays that measure effect via mRNA and protein. Reported by three calibrated studies incorporating mRNA splicing effects to exhibit function similar to pathogenic control variants (PMID:39779857, 39779848, 33293522) (PS3 met). Multifactorial likelihood ratio analysis using clinically calibrated data produced a combined LR for this variant of 15.5 (based on Cosegregation LR=14.3; Pathology LR=1.90; PMID: 31131967 and Family History LR=0.569; PMID: 31853058), within the thresholds for moderate evidence towards pathogenicity (LR ≥4.3 & <18.7) (PP4_Moderate met). In summary, this variant meets the criteria to be classified as a Pathogenic variant for BRCA2-related cancer predisposition based on the ACMG/AMP criteria applied as specified by the ENIGMA BRCA1/2 VCEP (v1.2) (PM2_Supporting, PVS1 (RNA), PS3, PP4_Moderate).

Labcorp Genetics (formerly Invitae), Labcorp
Classification: Pathogenic for Hereditary breast ovarian cancer syndrome. Last evaluated: 2025-07-30. Review status: criteria provided, single submitter. Criteria: Invitae Variant Classification Sherloc (09022015). Collection method: clinical testing. Allele origin: germline. Not counted in ClinVar's aggregate classification.
Comment: This sequence change replaces glutamine, which is neutral and polar, with arginine, which is basic and polar, at codon 2829 of the BRCA2 protein (p.Gln2829Arg). RNA analysis indicates that this missense change induces altered splicing and likely results in a shortened protein product. This variant is not present in population databases (gnomAD no frequency). This missense change has been observed in individual(s) with several individuals with a personal or family history of breast cancer and a personal or family history of breast cancer (PMID: 22505045, 22762150, 27616075, 29446198, 30415210). ClinVar contains an entry for this variant (Variation ID: 38161). An algorithm developed to predict the effect of missense changes on protein structure and function (PolyPhen-2) suggests that this variant is likely to be disruptive. Studies have shown that this missense change results in skipping of exon 19, but is expected to preserve the integrity of the reading-frame (PMID: 16489001, 22505045, 27616075). This variant disrupts a region of the BRCA2 protein in which other variant(s) (p.Gly2793Arg) have been determined to be pathogenic (PMID: 12442275, 15889636, 16030099, 23108138, 23233716, 25777348). This suggests that this is a clinically significant region of the protein, and that variants that disrupt it are likely to be disease-causing. For these reasons, this variant has been classified as Pathogenic.

Molecular Pathology, Peter Maccallum Cancer Centre
Classification: Likely pathogenic for Breast-ovarian cancer, familial, susceptibility to, 2. Last evaluated: 2025-05-09. Review status: criteria provided, single submitter. Criteria: ACMG Guidelines, 2015. Collection method: clinical testing. Allele origin: germline. Inheritance: Autosomal dominant inheritance. Not counted in ClinVar's aggregate classification.

Ambry Genetics
Classification: Likely pathogenic for Hereditary cancer-predisposing syndrome. Last evaluated: 2024-11-20. Review status: criteria provided, single submitter. Criteria: Ambry Variant Classification Scheme 2023. Collection method: clinical testing. Allele origin: germline. Not counted in ClinVar's aggregate classification.
Comment: The c.8486A>G variant (also known as p.Q2829R) is located in coding exon 18 of the BRCA2 gene. This results from an A to G substitution at nucleotide position 8486 which is the second to last nucleotide of the exon. The glutamine at codon 2829 is replaced by arginine, an amino acid with highly similar properties. This alteration has been identified in multiple breast cancer cohorts, including male breast cancer (Scott CL et al. Hum Genet, 2003 May;112:542-51; Deb S et al. BMC Cancer, 2012 Nov;12:510; Kim JH et al. Sci Rep, 2021 04;11:8485). Multiple RNA studies have shown that this alteration, as well as a close match alteration BRCA2 c.8486A>T, leads to skipping of coding exon 18 (Houdayer C et al. Hum Mutat. 2012 Aug;33(8):1228-38; Kraus C et al. Int. J. Cancer. 2017 Jan;140:95-102; Acedo A et al. Hum. Mutat. 2015 Feb;36:210-21; Machackova E et al. Klin Onkol. 2019;32:51-71; Wai HA et al. Genet Med, 2020 06;22:1005-1014; Biswas K et al. NPJ Genom Med, 2020 Dec;5:52). Of note, this alteration is also referred to as 8714A>G in the published literature. This nucleotide position is well conserved in available vertebrate species. In silico splice site analysis predicts that this alteration may weaken the native splice donor site. Based on the majority of available evidence to date, this variant is likely to be pathogenic.

Quest Diagnostics Nichols Institute San Juan Capistrano
Classification: Pathogenic. Last evaluated: 2024-05-14. Review status: criteria provided, single submitter. Criteria: Quest Diagnostics criteria. Collection method: clinical testing. Allele origin: unknown. Not counted in ClinVar's aggregate classification.
Comment: The BRCA2 c.8486A>G (p.Gln2829Arg) variant has been reported in the published literature in individuals and families with breast and/or ovarian cancer (PMIDs: 33875706 (2021), 29446198 (2018), 27616075 (2016), 22762150 (2012), 12601471 (2003)). Experimental studies show the variant is damaging to protein function by reducing cell survival (PMID: 33293522 (2020)) and causing improper splicing of exon 19 (PMIDs: 34663891 (2021), 32123317 (2020), 27060066 (2016), 22505045 (2012), 16489001 (2006)). A multifactorial likelihood analysis reports a posterior probability suggestive of the variant being pathogenic (PMID: 31131967 (2019)). This variant has not been reported in large, multi-ethnic general populations (Genome Aggregation Database). Analysis of this variant using bioinformatics tools for the prediction of the effect of amino acid changes on protein structure and function yielded predictions that this variant is damaging. Based on the available information, this variant is classified as pathogenic.

NM_000059.4(BRCA2):c.8486A>G (p.Gln2829Arg)

Gene: BRCA2 (BRCA2 DNA repair associated; plus strand). Cytogenetic location: 13q13.1.
Variant type: single nucleotide variant.
Coding change: c.8486A>G on transcript NM_000059.4 (MANE Select); coding-DNA position 8486, A replaced by G.
Protein change: p.Gln2829Arg; replaces glutamine 2829 with arginine.
Molecular consequence: missense variant.
Genome position (GRCh38, 1-based): chr13:32,370,556, A>G. VCF-style: chr13-32370556-A-G. GRCh37 (hg19) VCF-style: chr13-32944693-A-G.
Other names: NM_000059.4(BRCA2):c.8486A>G; p.Gln2829Arg; 8714A>G; short protein forms Q2829R.
Identifiers: ClinVar variation 38161 (VCV000038161.33), dbSNP rs80359100, ClinGen allele CA025666.
Genomic context (GRCh38, chr13:32,370,556, plus strand): 5'-TCAGTGATGGAGGAAATGTTGGTTGTGTTGATGTAATTATTCAAAGAGCATACCCTATAC[A>G]GGTATGATGTATTCTTGAAACTTACCATATATTTCTTTCTTTTGATACAATTAATTTGTT-3'
Protein context (NP_000050.3, residues 2819-2839): DVIIQRAYPI[Gln2829Arg]WMEKTSSGLY